The following is an entry in ClinVar:

ClinVar aggregate classification (germline): Uncertain significance. Review status: criteria provided, multiple submitters, no conflicts (2 of 4 stars). 3 submissions from 3 submitters: Uncertain significance (3). Last evaluated 2025-12-29.

Conditions:
Malignant hyperthermia, susceptibility to, 1 (MHS1). Also called: RYR1-Related Malignant Hyperthermia Susceptibility; Anesthesia related hyperthermia; Malignant hyperpyrexia; Fulminating hyperpyrexia; Pharmacogenic myopathy; Malignant hyperthermia suceptibility 1. Identifiers: Orphanet 423, MedGen C2930980, MONDO:0007783, OMIM 145600.
RYR1-related disorder. Also called: RYR1-related disorders; RYR1-related condition. Identifiers: MedGen CN239331.

Submissions (3):

Labcorp Genetics (formerly Invitae), Labcorp
Classification: Uncertain significance for RYR1-related disorder. Last evaluated: 2025-12-29. Review status: criteria provided, single submitter. Criteria: Invitae Variant Classification Sherloc (09022015). Collection method: clinical testing. Allele origin: germline.
Comment: This sequence change replaces serine, which is neutral and polar, with cysteine, which is neutral and slightly polar, at codon 4212 of the RYR1 protein (p.Ser4212Cys). This variant is not present in population databases (gnomAD no frequency). This variant has not been reported in the literature in individuals affected with RYR1-related conditions. ClinVar contains an entry for this variant (Variation ID: 1002659). Invitae Evidence Modeling of protein sequence and biophysical properties (such as structural, functional, and spatial information, amino acid conservation, physicochemical variation, residue mobility, and thermodynamic stability) indicates that this missense variant is expected to disrupt RYR1 protein function with a positive predictive value of 80%. In summary, the available evidence is currently insufficient to determine the role of this variant in disease. Therefore, it has been classified as a Variant of Uncertain Significance.

All of Us Research Program, National Institutes of Health
Classification: Uncertain significance for Malignant hyperthermia, susceptibility to, 1. Last evaluated: 2024-08-13. Review status: criteria provided, single submitter. Criteria: ACMG Guidelines, 2015. Collection method: clinical testing. Allele origin: germline. Inheritance: Autosomal dominant inheritance. Observed: 1 variant allele, 1 heterozygote.
Comment: This missense variant replaces serine with cysteine at codon 4212 of the RYR1 protein. Computational prediction suggests that this variant may have deleterious impact on protein structure and function (internally defined REVEL score threshold >= 0.7, PMID: 27666373). To our knowledge, functional studies have not been reported for this variant. This variant has not been reported in individuals affected with RYR1-related disorders in the literature. This variant has not been identified in the general population by the Genome Aggregation Database (gnomAD). The available evidence is insufficient to determine the role of this variant in disease conclusively. Therefore, this variant is classified as a Variant of Uncertain Significance.

This study involves interpretation of variants in research participants for the purpose of population health screening. Participant phenotype was not available at the time of variant classification. Additional details can be found in publication PMID: 35346344, PMCID: PMC8962531

GeneDx
Classification: Uncertain significance. Last evaluated: 2024-06-25. Review status: criteria provided, single submitter. Criteria: GeneDx Variant Classification Process June 2021. Collection method: clinical testing. Allele origin: germline. Affected: yes.
Comment: Not observed at significant frequency in large population cohorts (gnomAD); In silico analysis supports that this missense variant has a deleterious effect on protein structure/function; Has not been previously published as pathogenic or benign to our knowledge

NM_000540.3(RYR1):c.12635C>G (p.Ser4212Cys)

Gene: RYR1 (ryanodine receptor 1; plus strand). Cytogenetic location: 19q13.2.
Variant type: single nucleotide variant.
Coding change: c.12635C>G on transcript NM_000540.3 (MANE Select); coding-DNA position 12635, C replaced by G.
Protein change: p.Ser4212Cys; replaces serine 4212 with cysteine.
Molecular consequence: missense variant.
Genome position (GRCh38, 1-based): chr19:38,564,969, C>G. VCF-style: chr19-38564969-C-G. GRCh37 (hg19) VCF-style: chr19-39055609-C-G.
Other names: c.12635C>G (NM_000540.2); c.12620C>G, p.Ser4207Cys (NM_001042723.2); short protein forms S4207C, S4212C.
Identifiers: ClinVar variation 1002659 (VCV001002659.11), dbSNP rs1973322467, ClinGen allele CA405670788.
Genomic context (GRCh38, chr19:38,564,969, plus strand): 5'-CCGAGCCCCCGCTGACGGCGCCCTATCCTGTCTGCCGCCCCTCGCTTCAGGTGAAGGAGT[C>G]CAAGCGCCAGTTCATCTTCGACGTGGTGAACGAGGGCGGCGAGGCTGAGAAGATGGAGCT-3'
Protein context (NP_000531.2, residues 4202-4222): AQWEMPQVKE[Ser4212Cys]KRQFIFDVVN